The following is an entry in ClinVar:

NM_003890.3(FCGBP):c.5922G>A (p.Thr1974=)

Gene: FCGBP (Fc gamma binding protein; minus strand). Cytogenetic location: 19q13.2.
Variant type: single nucleotide variant.
Coding change: c.5922G>A on transcript NM_003890.3 (MANE Select); coding-DNA position 5922, G replaced by A.
Protein change: p.Thr1974=; no amino-acid change (threonine 1974 retained).
Molecular consequence: synonymous variant.
Identifiers: ClinVar variation 3341749 (VCV003341749.12).
Protein context (NP_003881.2, residues 1964-1984): PASCPSPAPL[Thr1974=]TPAVCEGPCV

ClinVar aggregate classification (germline): Likely benign (1 of 4 stars; one submission).

Submission:

CeGaT Center for Human Genetics Tuebingen
Classification: Likely benign. Last evaluated: 2024-08-01. Review status: criteria provided, single submitter. Criteria: CeGaT Center For Human Genetics Tuebingen Variant Classification Criteria Version 2. Collection method: clinical testing. Allele origin: germline. Affected: yes. Observed: 1 variant allele.
Comment: FCGBP: PM2:Supporting, BP4, BP7